The following is an entry in ClinVar:

ClinVar aggregate classification (germline): Benign/Likely benign. Review status: criteria provided, multiple submitters, no conflicts (2 of 4 stars). 3 submissions from 3 submitters: Benign (1); Likely benign (2). Last evaluated 2026-09-23.

Conditions:
Cardiovascular phenotype. Identifiers: MedGen CN230736.
Hereditary cancer-predisposing syndrome. Also called: Hereditary neoplastic syndrome; Neoplastic Syndromes, Hereditary; Tumor predisposition; Hereditary Cancer Syndrome. Identifiers: Orphanet 140162, MedGen C0027672, MeSH D009386, MONDO:0015356.
Neurofibromatosis, type 1 (NF1). Also called: Neurofibromatosis, type I; Peripheral type neurofibromatosis; VON RECKLINGHAUSEN DISEASE; NEUROFIBROMATOSIS, TYPE I, SOMATIC. Identifiers: Orphanet 636, MedGen C0027831, MONDO:0018975, OMIM 162200. Disease mechanism: loss of function.

Allele frequency attached by ClinVar (database versions not stated): gnomAD exomes 0.00001; TOPMed below 0.00001; ExAC 0.00002.

Submissions (3):

Myriad Genetics, Inc.
Classification: Benign for Neurofibromatosis, type 1. Last evaluated: 2026-09-23. Review status: criteria provided, single submitter. Criteria: Myriad Autosomal Dominant, Autosomal Recessive and X-Linked Classification Criteria (2023). Collection method: clinical testing. Allele origin: unknown.
Comment: This variant is considered benign. This variant is a silent/synonymous amino acid change and it is not expected to impact splicing.

Labcorp Genetics (formerly Invitae), Labcorp
Classification: Likely benign for Neurofibromatosis, type 1. Last evaluated: 2025-05-13. Review status: criteria provided, single submitter. Criteria: Invitae Variant Classification Sherloc (09022015). Collection method: clinical testing. Allele origin: germline.

Ambry Genetics
Classification: Likely benign for Cardiovascular phenotype; Hereditary cancer-predisposing syndrome. Last evaluated: 2021-08-21. Review status: criteria provided, single submitter. Criteria: Ambry Variant Classification Scheme 2023. Collection method: clinical testing. Allele origin: germline.

NM_001042492.3(NF1):c.7980G>A (p.Leu2660=)

Gene: NF1 (neurofibromin 1; plus strand). Cytogenetic location: 17q11.2.
Variant type: single nucleotide variant.
Coding change: c.7980G>A on transcript NM_001042492.3 (MANE Select); coding-DNA position 7980, G replaced by A.
Protein change: p.Leu2660=; no amino-acid change (leucine 2660 retained).
Molecular consequence: synonymous variant.
Genome position (GRCh38, 1-based): chr17:31,358,489, G>A. VCF-style: chr17-31358489-G-A. GRCh37 (hg19) VCF-style: chr17-29685507-G-A.
Other names: c.7917G>A, p.Leu2639= (NM_000267.4).
Identifiers: ClinVar variation 759605 (VCV000759605.10), dbSNP rs758573977, ClinGen allele CA8487717.